The following is an entry in ClinVar:

NM_020778.5(ALPK3):c.4595C>T (p.Ser1532Phe)

Gene: ALPK3 (alpha kinase 3; plus strand). Cytogenetic location: 15q25.3.
Variant type: single nucleotide variant.
Coding change: c.4595C>T on transcript NM_020778.5 (MANE Select); coding-DNA position 4595, C replaced by T.
Protein change: p.Ser1532Phe; replaces serine 1532 with phenylalanine.
Molecular consequence: missense variant.
Genome position (GRCh38, 1-based): chr15:84,864,537, C>T. VCF-style: chr15-84864537-C-T. GRCh37 (hg19) VCF-style: chr15-85407768-C-T.
Other names: short protein forms S1532F.
Identifiers: ClinVar variation 1474846 (VCV001474846.8), dbSNP rs747505947, ClinGen allele CA7710032.

ClinVar aggregate classification (germline): Uncertain significance. Review status: criteria provided, multiple submitters, no conflicts (2 of 4 stars). 2 submissions from 2 submitters: Uncertain significance (2). Last evaluated 2025-11-21.

Conditions:
Cardiovascular phenotype. Identifiers: MedGen CN230736.

Allele frequency attached by ClinVar (database versions not stated): ExAC 0.00001; gnomAD exomes below 0.00001.
gnomAD v4.1: 2 of 1,614,232 alleles (0.00012%); highest among the groups gnomAD compares: East Asian, 0.0022%; no homozygotes.

Submissions (2):

Labcorp Genetics (formerly Invitae), Labcorp
Classification: Uncertain significance. Last evaluated: 2025-11-21. Review status: criteria provided, single submitter. Criteria: Invitae Variant Classification Sherloc (09022015). Collection method: clinical testing. Allele origin: germline.
Comment: This sequence change replaces serine, which is neutral and polar, with phenylalanine, which is neutral and non-polar, at codon 1734 of the ALPK3 protein (p.Ser1734Phe). This variant is present in population databases (rs747505947, gnomAD 0.003%). This variant has not been reported in the literature in individuals affected with ALPK3-related conditions. ClinVar contains an entry for this variant (Variation ID: 1474846). Invitae Evidence Modeling of protein sequence and biophysical properties (such as structural, functional, and spatial information, amino acid conservation, physicochemical variation, residue mobility, and thermodynamic stability) indicates that this missense variant is expected to disrupt ALPK3 protein function with a positive predictive value of 80%. In summary, the available evidence is currently insufficient to determine the role of this variant in disease. Therefore, it has been classified as a Variant of Uncertain Significance.

Ambry Genetics
Classification: Uncertain significance for Cardiovascular phenotype. Last evaluated: 2022-04-19. Review status: criteria provided, single submitter. Criteria: Ambry Variant Classification Scheme 2023. Collection method: clinical testing. Allele origin: germline.
Comment: The p.S1734F variant (also known as c.5201C>T), located in coding exon 12 of the ALPK3 gene, results from a C to T substitution at nucleotide position 5201. The serine at codon 1734 is replaced by phenylalanine, an amino acid with highly dissimilar properties. This amino acid position is conserved. In addition, this alteration is predicted to be tolerated by in silico analysis. Since supporting evidence is limited at this time, the clinical significance of this alteration remains unclear.